The following is an entry in ClinVar:

NM_004360.5(CDH1):c.1711+4A>T

Gene: CDH1 (cadherin 1; plus strand). Cytogenetic location: 16q22.1.
Variant type: single nucleotide variant.
Coding change: c.1711+4A>T on transcript NM_004360.5 (MANE Select); 4 bases into the intron after coding-DNA position 1711, A replaced by T.
Molecular consequence: intron variant.
Genome position (GRCh38, 1-based): chr16:68,819,429, A>T. VCF-style: chr16-68819429-A-T. GRCh37 (hg19) VCF-style: chr16-68853332-A-T.
Other names: c.163+4A>T (NM_001317185.2); c.-254-2572A>T (NM_001317186.2); c.1528+4A>T (NM_001317184.2).
Identifiers: ClinVar variation 819881 (VCV000819881.5), dbSNP rs1596960819, ClinGen allele CA915949315.
Genomic context (GRCh38, chr16:68,819,429, plus strand): 5'-ATTTTGAGCACGTGAAGAACAGCACGTACACAGCCCTAATCATAGCTACAGACAATGGTA[A>T]GGGGGCCTCATCTGAGCCTTTGCTGCCTCGACCTCCTAGCTAGTTCAGTTCCTTGCCCCT-3'

ClinVar aggregate classification (germline): Uncertain significance (1 of 4 stars; one submission).

Conditions:
Hereditary cancer-predisposing syndrome. Also called: Tumor predisposition; Neoplastic Syndromes, Hereditary; Hereditary Cancer Syndrome; Hereditary neoplastic syndrome. Identifiers: Orphanet 140162, MedGen C0027672, MeSH D009386, MONDO:0015356.

Submission:

Ambry Genetics
Classification: Uncertain significance for Hereditary cancer-predisposing syndrome. Last evaluated: 2026-02-09. Review status: criteria provided, single submitter. Criteria: Ambry Variant Classification Scheme 2023. Collection method: clinical testing. Allele origin: germline.
Comment: The c.1711+4A>T intronic variant results from an A to T substitution 4 nucleotides after coding exon 11 in the CDH1 gene. This nucleotide position is well conserved on limited sequence alignment. In silico splice site analysis predicts that this alteration will not have any significant effect on splicing. Based on the available evidence, the clinical significance of this variant remains unclear.